The following is an entry in ClinVar:

NM_014915.3(ANKRD26):c.2441A>T (p.Glu814Val)

Gene: ANKRD26 (ankyrin repeat domain containing 26; minus strand). Cytogenetic location: 10p12.1.
Variant type: single nucleotide variant.
Coding change: c.2441A>T on transcript NM_014915.3 (MANE Select); coding-DNA position 2441, A replaced by T.
Protein change: p.Glu814Val; replaces glutamic acid 814 with valine.
Molecular consequence: missense variant.
Genome position (GRCh38, 1-based): chr10:27,037,989, T>A on the plus strand (A>T on the coding strand, the complement: ANKRD26 is on the minus strand). VCF-style: chr10-27037989-T-A. GRCh37 (hg19) VCF-style: chr10-27326918-T-A.
Other names: c.2438A>T, p.Glu813Val (NM_001256053.2); short protein forms E813V, E814V.
Identifiers: ClinVar variation 2662799 (VCV002662799.1), dbSNP rs2538791698, ClinGen allele CA376367000.

ClinVar aggregate classification (germline): Uncertain significance (1 of 4 stars; one submission).

Submission:

GeneDx
Classification: Uncertain significance. Last evaluated: 2023-04-12. Review status: criteria provided, single submitter. Criteria: GeneDx Variant Classification Process June 2021. Collection method: clinical testing. Allele origin: germline. Affected: yes.
Comment: Not observed at significant frequency in large population cohorts (gnomAD); In silico analysis supports that this missense variant has a deleterious effect on protein structure/function; Has not been previously published as pathogenic or benign to our knowledge